The following is an entry in ClinVar:

NM_144658.4(DOCK11):c.4970-5C>G

Gene: DOCK11 (dedicator of cytokinesis 11; plus strand). Cytogenetic location: Xq24.
Variant type: single nucleotide variant.
Coding change: c.4970-5C>G on transcript NM_144658.4 (MANE Select); 5 bases into the intron before coding-DNA position 4970, C replaced by G.
Molecular consequence: intron variant.
Genome position (GRCh38, 1-based): chrX:118,662,681, C>G. VCF-style: chrX-118662681-C-G. GRCh37 (hg19) VCF-style: chrX-117796644-C-G.
Identifiers: ClinVar variation 4976570 (VCV004976570.1).

ClinVar aggregate classification (germline): Uncertain significance (1 of 4 stars; one submission).

Submission:

GeneDx
Classification: Uncertain significance. Last evaluated: 2026-02-13. Review status: criteria provided, single submitter. Criteria: GeneDx Variant Classification Process June 2021. Collection method: clinical testing. Allele origin: germline.
Comment: Not observed at significant frequency in large population cohorts (gnomAD); In silico analysis supports a deleterious effect on splicing; Has not been previously published as pathogenic or benign to our knowledge